The following is an entry in ClinVar:

NM_015311.3(OBSL1):c.1382G>A (p.Trp461Ter)

Gene: OBSL1 (obscurin like cytoskeletal adaptor 1; minus strand). Cytogenetic location: 2q35.
Variant type: single nucleotide variant.
Coding change: c.1382G>A on transcript NM_015311.3 (MANE Select); coding-DNA position 1382, G replaced by A.
Protein change: p.Trp461Ter; replaces tryptophan 461 with a stop codon.
Molecular consequence: nonsense.
Genome position (GRCh38, 1-based): chr2:219,567,870, C>T on the plus strand (G>A on the coding strand, the complement: OBSL1 is on the minus strand). VCF-style: chr2-219567870-C-T. GRCh37 (hg19) VCF-style: chr2-220432592-C-T.
Other names: c.1382G>A, p.Trp461Ter (NM_001173408.2, NM_001173431.2); short protein forms W461*.
Identifiers: ClinVar variation 3697270 (VCV003697270.2).

ClinVar aggregate classification (germline): Pathogenic (1 of 4 stars; one submission).

gnomAD v4.1: 1 of 1,613,960 alleles (0.000062%); highest among the groups gnomAD compares: East Asian, 0.0022%; no homozygotes.

Submission:

Labcorp Genetics (formerly Invitae), Labcorp
Classification: Pathogenic. Last evaluated: 2024-04-25. Review status: criteria provided, single submitter. Criteria: Invitae Variant Classification Sherloc (09022015). Collection method: clinical testing. Allele origin: germline.
Comment: This sequence change creates a premature translational stop signal (p.Trp461*) in the OBSL1 gene. It is expected to result in an absent or disrupted protein product. Loss-of-function variants in OBSL1 are known to be pathogenic (PMID: 19481195, 19877176). This variant is not present in population databases (gnomAD no frequency). This premature translational stop signal has been observed in individual(s) with clinical features of OBSL1-related conditions (PMID: 33482836). For these reasons, this variant has been classified as Pathogenic.

Literature cited by the submitters: PubMed 19481195; PubMed 19877176; PubMed 33482836.